The following is an entry in ClinVar:

NM_000108.5(DLD):c.511A>C (p.Thr171Pro)

Gene: DLD (dihydrolipoamide dehydrogenase; plus strand). Cytogenetic location: 7q31.1.
Variant type: single nucleotide variant.
Coding change: c.511A>C on transcript NM_000108.5 (MANE Select); coding-DNA position 511, A replaced by C.
Protein change: p.Thr171Pro; replaces threonine 171 with proline.
Molecular consequence: missense variant. On other transcripts: intron variant (1).
Genome position (GRCh38, 1-based): chr7:107,905,433, A>C. VCF-style: chr7-107905433-A-C. GRCh37 (hg19) VCF-style: chr7-107545878-A-C.
Other names: c.511A>C (NM_000108.3); c.214A>C, p.Thr72Pro (NM_001289750.1); c.442A>C, p.Thr148Pro (NM_001289751.1); c.438+375A>C (NM_001289752.1); short protein forms T148P, T171P, T72P.
Identifiers: ClinVar variation 2415678 (VCV002415678.6), dbSNP rs1253073039, ClinGen allele CA368855566.

ClinVar aggregate classification (germline): Uncertain significance. Review status: criteria provided, multiple submitters, no conflicts (2 of 4 stars). 2 submissions from 2 submitters: Uncertain significance (2). Last evaluated 2025-08-13.

Conditions:
Inborn genetic diseases. Identifiers: MedGen C0950123, MeSH D030342.
Pyruvate dehydrogenase E3 deficiency (DLDD). Also called: Lipoamide dehydrogenase deficiency, lactic acidosis due to; MAPLE SYRUP URINE DISEASE, TYPE III; Dihydrolipoamide Dehydrogenase (E3) Deficiency; Dihydrolipoamide Dehydrogenase E3 Deficiency; DLD DEFICIENCY; E3 DEFICIENCY. Identifiers: Orphanet 2394, Orphanet 765, MedGen C5574660, MONDO:0009529, OMIM 246900.

Allele frequency attached by ClinVar (database versions not stated): TOPMed below 0.00001.
gnomAD v4.1: 2 of 1,613,818 alleles (0.00012%); highest among the groups gnomAD compares: Admixed American, 0.0033%; no homozygotes.

Submissions (2):

Ambry Genetics
Classification: Uncertain significance for Inborn genetic diseases. Last evaluated: 2025-08-13. Review status: criteria provided, single submitter. Criteria: Ambry Variant Classification Scheme 2023. Collection method: clinical testing. Allele origin: germline.

Labcorp Genetics (formerly Invitae), Labcorp
Classification: Uncertain significance for Pyruvate dehydrogenase E3 deficiency. Last evaluated: 2024-01-22. Review status: criteria provided, single submitter. Criteria: Invitae Variant Classification Sherloc (09022015). Collection method: clinical testing. Allele origin: germline.
Comment: This sequence change replaces threonine, which is neutral and polar, with proline, which is neutral and non-polar, at codon 171 of the DLD protein (p.Thr171Pro). This variant is present in population databases (no rsID available, gnomAD 0.006%). This variant has not been reported in the literature in individuals affected with DLD-related conditions. ClinVar contains an entry for this variant (Variation ID: 2415678). Advanced modeling of protein sequence and biophysical properties (such as structural, functional, and spatial information, amino acid conservation, physicochemical variation, residue mobility, and thermodynamic stability) performed at Invitae indicates that this missense variant is not expected to disrupt DLD protein function with a negative predictive value of 80%. In summary, the available evidence is currently insufficient to determine the role of this variant in disease. Therefore, it has been classified as a Variant of Uncertain Significance.